The following is an entry in ClinVar:

NM_021096.4(CACNA1I):c.5836C>T (p.Pro1946Ser)

Gene: CACNA1I (calcium voltage-gated channel subunit alpha1 I; plus strand). Cytogenetic location: 22q13.1.
Variant type: single nucleotide variant.
Coding change: c.5836C>T on transcript NM_021096.4 (MANE Select); coding-DNA position 5836, C replaced by T.
Protein change: p.Pro1946Ser; replaces proline 1946 with serine.
Molecular consequence: missense variant.
Genome position (GRCh38, 1-based): chr22:39,684,307, C>T. VCF-style: chr22-39684307-C-T. GRCh37 (hg19) VCF-style: chr22-40080312-C-T.
Other names: c.5731C>T, p.Pro1911Ser (NM_001003406.2); short protein forms P1911S, P1946S.
Identifiers: ClinVar variation 3364489 (VCV003364489.1).

ClinVar aggregate classification (germline): Uncertain significance (1 of 4 stars; one submission).

Submission:

GeneDx
Classification: Uncertain significance. Last evaluated: 2023-11-25. Review status: criteria provided, single submitter. Criteria: GeneDx Variant Classification Process June 2021. Collection method: clinical testing. Allele origin: germline. Affected: yes.
Comment: Not observed at significant frequency in large population cohorts (gnomAD); In silico analysis supports that this missense variant has a deleterious effect on protein structure/function; Has not been previously published as pathogenic or benign to our knowledge